The following is an entry in ClinVar:

ClinVar aggregate classification (germline): Pathogenic/Likely pathogenic. Review status: criteria provided, multiple submitters, no conflicts (2 of 4 stars). 3 submissions from 2 submitters: Pathogenic (2); Likely pathogenic (1). Last evaluated 2023-08-24.

Conditions:
Becker muscular dystrophy (BMD). Also called: MUSCULAR DYSTROPHY, PSEUDOHYPERTROPHIC PROGRESSIVE, BECKER TYPE; Becker Muscular Dystrophy (BMD). Identifiers: Orphanet 98895, MedGen C0917713, MONDO:0010311, OMIM 300376.
Duchenne muscular dystrophy (DMD). Also called: MUSCULAR DYSTROPHY, PSEUDOHYPERTROPHIC PROGRESSIVE, DUCHENNE TYPE; Duchenne Muscular Dystrophy (DMD). Identifiers: Orphanet 98896, MedGen C0013264, MONDO:0010679, OMIM 310200.

Submissions (3):

Labcorp Genetics (formerly Invitae), Labcorp
Classification: Pathogenic for Duchenne muscular dystrophy. Last evaluated: 2023-08-24. Review status: criteria provided, single submitter. Criteria: Invitae Variant Classification Sherloc (09022015). Collection method: clinical testing. Allele origin: germline.
Comment: For these reasons, this variant has been classified as Pathogenic. Algorithms developed to predict the effect of sequence changes on RNA splicing suggest that this variant may create or strengthen a splice site. ClinVar contains an entry for this variant (Variation ID: 1299643). This premature translational stop signal has been observed in individual(s) with clinical features of DMD-related conditions (PMID: 29778277, 34008892). This variant is not present in population databases (gnomAD no frequency). This sequence change creates a premature translational stop signal (p.Trp24*) in the DMD gene. It is expected to result in an absent or disrupted protein product. Loss-of-function variants in DMD are known to be pathogenic (PMID: 16770791, 25007885).

Laboratory of Medical Genetics, National & Kapodistrian University of Athens
Classification: Likely pathogenic for Becker muscular dystrophy. Last evaluated: 2022-12-16. Review status: criteria provided, single submitter. Criteria: ACMG Guidelines, 2015. Collection method: clinical testing. Allele origin: germline. Affected: yes.
Comment: PVS1,PM2,PP3

Laboratory of Medical Genetics, National & Kapodistrian University of Athens
Classification: Pathogenic for Duchenne muscular dystrophy. Last evaluated: 2021-10-01. Review status: criteria provided, single submitter. Criteria: ACMG Guidelines, 2015. Collection method: clinical testing. Allele origin: unknown. Affected: yes.
Comment: PVS1, PM2, PP3

Literature cited by the submitters: PubMed 29778277 (cited by Labcorp Genetics (formerly Invitae), Labcorp); PubMed 34008892 (cited by Labcorp Genetics (formerly Invitae), Labcorp and Laboratory of Medical Genetics, National & Kapodistrian University of Athens); PubMed 16770791 (cited by Labcorp Genetics (formerly Invitae), Labcorp); PubMed 25007885 (cited by Labcorp Genetics (formerly Invitae), Labcorp).

NM_004006.3(DMD):c.71G>A (p.Trp24Ter)

Gene: DMD (dystrophin; minus strand). Cytogenetic location: Xp21.1.
Variant type: single nucleotide variant.
Coding change: c.71G>A on transcript NM_004006.3 (MANE Select); coding-DNA position 71, G replaced by A.
Protein change: p.Trp24Ter; replaces tryptophan 24 with a stop codon.
Molecular consequence: nonsense. On other transcripts: 5 prime UTR variant (1).
Genome position (GRCh38, 1-based): chrX:33,020,161, C>T on the plus strand (G>A on the coding strand, the complement: DMD is on the minus strand). VCF-style: chrX-33020161-C-T. GRCh37 (hg19) VCF-style: chrX-33038278-C-T.
Other names: c.47G>A, p.Trp16Ter (NM_000109.4); c.59G>A, p.Trp20Ter (NM_004009.3); c.-299G>A (NM_004010.3); short protein forms W16*, W20*, W24*.
Identifiers: ClinVar variation 1299643 (VCV001299643.5), dbSNP rs2147755143, ClinGen allele CA412675260.